The following is an entry in ClinVar:

NM_001363711.2(DUOX2):c.239A>G (p.Asn80Ser)

Gene: DUOX2 (dual oxidase 2; minus strand). Cytogenetic location: 15q21.1.
Variant type: single nucleotide variant.
Coding change: c.239A>G on transcript NM_001363711.2 (MANE Select); coding-DNA position 239, A replaced by G.
Protein change: p.Asn80Ser; replaces asparagine 80 with serine.
Molecular consequence: missense variant.
Genome position (GRCh38, 1-based): chr15:45,112,640, T>C on the plus strand (A>G on the coding strand, the complement: DUOX2 is on the minus strand). VCF-style: chr15-45112640-T-C. GRCh37 (hg19) VCF-style: chr15-45404838-T-C.
Other names: c.239A>G, p.Asn80Ser (NM_014080.5); short protein forms N80S.
Identifiers: ClinVar variation 1957206 (VCV001957206.6), dbSNP rs2504788694, ClinGen allele CA392279709.
Genomic context (GRCh38, chr15:45,112,640, plus strand): 5'-TTGTGGAGCGACGGCAGGCCGGCTATGCCCCGCGTGGCTGCGTTGCTGAGCCGGCGCGGG[T>C]TGGGCAGCTGCGGCTCCTCCAGAGCCTGATACACACCGTCGGCGTAATTGGCTGGTACGC-3'
Protein context (NP_001350640.1, residues 70-90): YQALEEPQLP[Asn80Ser]PRRLSNAATR

ClinVar aggregate classification (germline): Uncertain significance. Review status: criteria provided, multiple submitters, no conflicts (2 of 4 stars). 2 submissions from 2 submitters: Uncertain significance (2). Last evaluated 2023-04-21.

gnomAD v4.1: 1 of 1,612,784 alleles (0.000062%); no homozygotes.

Submissions (2):

Blueprint Genetics
Classification: Uncertain significance. Last evaluated: 2023-04-21. Review status: criteria provided, single submitter. Criteria: ACMG Guidelines, 2015. Collection method: clinical testing. Allele origin: germline.

Labcorp Genetics (formerly Invitae), Labcorp
Classification: Uncertain significance. Last evaluated: 2022-05-20. Review status: criteria provided, single submitter. Criteria: Invitae Variant Classification Sherloc (09022015). Collection method: clinical testing. Allele origin: germline.
Comment: This sequence change replaces asparagine, which is neutral and polar, with serine, which is neutral and polar, at codon 80 of the DUOX2 protein (p.Asn80Ser). This variant is not present in population databases (gnomAD no frequency). This variant has not been reported in the literature in individuals affected with DUOX2-related conditions. Advanced modeling of protein sequence and biophysical properties (such as structural, functional, and spatial information, amino acid conservation, physicochemical variation, residue mobility, and thermodynamic stability) performed at Invitae indicates that this missense variant is not expected to disrupt DUOX2 protein function. In summary, the available evidence is currently insufficient to determine the role of this variant in disease. Therefore, it has been classified as a Variant of Uncertain Significance.